The following is an entry in ClinVar:

NM_002637.4(PHKA1):c.576A>C (p.Gln192His)

Gene: PHKA1 (phosphorylase kinase regulatory subunit alpha 1; minus strand). Cytogenetic location: Xq13.1.
Variant type: single nucleotide variant.
Coding change: c.576A>C on transcript NM_002637.4 (MANE Select); coding-DNA position 576, A replaced by C.
Protein change: p.Gln192His; replaces glutamine 192 with histidine.
Molecular consequence: missense variant.
Genome position (GRCh38, 1-based): chrX:72,676,112, T>G on the plus strand (A>C on the coding strand, the complement: PHKA1 is on the minus strand). VCF-style: chrX-72676112-T-G. GRCh37 (hg19) VCF-style: chrX-71895962-T-G.
Other names: c.576A>C, p.Gln192His (NM_001122670.2, NM_001172436.2); short protein forms Q192H.
Identifiers: ClinVar variation 3015228 (VCV003015228.2), dbSNP rs781920402, ClinGen allele CA10451036.
Genomic context (GRCh38, chrX:72,676,112, plus strand): 5'-ACAGGAAAGGAAAATTACCTTTGCCATTCCAACTGAACTGGCATTCAACTCTGAGATCCC[T>G]TGGTTGGTCTTGTCTCCACGTTCCCATATCCCGAAGTCCTGGCATAAAATAACCAATATA-3'
Protein context (NP_002628.2, residues 182-202): GIWERGDKTN[Gln192His]GISELNASSV

ClinVar aggregate classification (germline): Uncertain significance (1 of 4 stars; one submission).

Conditions:
Glycogen storage disease IXd (GSD9D). Also called: GSD IXd; Muscle Phosphorylase Kinase Deficiency. Identifiers: Orphanet 715, MedGen C1845151, MONDO:0010362, OMIM 300559.

Allele frequency attached by ClinVar (database versions not stated): gnomAD exomes below 0.00001; ExAC 0.00001; gnomAD 0.00002; TOPMed 0.00003.
gnomAD v4.1: 3 of 1,207,564 alleles (0.00025%); highest among the groups gnomAD compares: African/African-American, 0.0053%; no homozygotes.

Submission:

Labcorp Genetics (formerly Invitae), Labcorp
Classification: Uncertain significance for Glycogen storage disease IXd. Last evaluated: 2023-10-15. Review status: criteria provided, single submitter. Criteria: Invitae Variant Classification Sherloc (09022015). Collection method: clinical testing. Allele origin: germline.
Comment: This sequence change replaces glutamine, which is neutral and polar, with histidine, which is basic and polar, at codon 192 of the PHKA1 protein (p.Gln192His). This variant is not present in population databases (gnomAD no frequency). This variant has not been reported in the literature in individuals affected with PHKA1-related conditions. Advanced modeling of protein sequence and biophysical properties (such as structural, functional, and spatial information, amino acid conservation, physicochemical variation, residue mobility, and thermodynamic stability) performed at Invitae indicates that this missense variant is not expected to disrupt PHKA1 protein function. In summary, the available evidence is currently insufficient to determine the role of this variant in disease. Therefore, it has been classified as a Variant of Uncertain Significance.